The following is an entry in ClinVar:

NM_020232.5(PSMG2):c.499C>T (p.Arg167Trp)

Gene: PSMG2 (proteasome assembly chaperone 2; plus strand). Cytogenetic location: 18p11.21.
Variant type: single nucleotide variant.
Coding change: c.499C>T on transcript NM_020232.5 (MANE Select); coding-DNA position 499, C replaced by T.
Protein change: p.Arg167Trp; replaces arginine 167 with tryptophan.
Molecular consequence: missense variant.
Genome position (GRCh38, 1-based): chr18:12,720,601, C>T. VCF-style: chr18-12720601-C-T. GRCh37 (hg19) VCF-style: chr18-12720600-C-T.
Other names: c.406C>T, p.Arg136Trp (NM_147163.2); short protein forms R136W, R167W.
Identifiers: ClinVar variation 2982651 (VCV002982651.3), dbSNP rs765937525, ClinGen allele CA8898420.

ClinVar aggregate classification (germline): Uncertain significance (1 of 4 stars; one submission).

Allele frequency attached by ClinVar (database versions not stated): ExAC 0.00002; gnomAD exomes 0.00003; TOPMed 0.00003; gnomAD 0.00001.
gnomAD v4.1: 44 of 1,613,418 alleles (0.0027%); highest among the groups gnomAD compares: African/African-American, 0.0093%; no homozygotes.

Submission:

Labcorp Genetics (formerly Invitae), Labcorp
Classification: Uncertain significance. Last evaluated: 2025-04-19. Review status: criteria provided, single submitter. Criteria: Invitae Variant Classification Sherloc (09022015). Collection method: clinical testing. Allele origin: germline.
Comment: This sequence change replaces arginine, which is basic and polar, with tryptophan, which is neutral and slightly polar, at codon 167 of the PSMG2 protein (p.Arg167Trp). This variant is present in population databases (rs765937525, gnomAD 0.006%). This variant has not been reported in the literature in individuals affected with PSMG2-related conditions. ClinVar contains an entry for this variant (Variation ID: 2982651). An algorithm developed to predict the effect of missense changes on protein structure and function (PolyPhen-2) suggests that this variant is likely to be disruptive. In summary, the available evidence is currently insufficient to determine the role of this variant in disease. Therefore, it has been classified as a Variant of Uncertain Significance.